The following is an entry in ClinVar:

ClinVar aggregate classification (germline): Uncertain significance. Review status: criteria provided, multiple submitters, no conflicts (2 of 4 stars). 3 submissions from 3 submitters: Uncertain significance (3). Last evaluated 2026-03-25.

Conditions:
PDE6B-related disorder. Also called: PDE6B-related disorders; PDE6B-related disease; PDE6B-related condition.

Allele frequency attached by ClinVar (database versions not stated): gnomAD 0.00005; gnomAD exomes 0.00005; TOPMed 0.00005; ExAC 0.00010; ESP Exome Variant Server 0.00015.
gnomAD v4.1: 43 of 1,612,500 alleles (0.0027%); highest among the groups gnomAD compares: East Asian, 0.016%; no homozygotes.

Submissions (3):

PreventionGenetics, part of Exact Sciences
Classification: Uncertain significance for PDE6B-related condition. Last evaluated: 2026-03-25. Review status: criteria provided, single submitter. Criteria: ACMG Guidelines, 2015. Collection method: clinical testing. Allele origin: germline.
Comment: The PDE6B c.221G>A variant is predicted to result in the amino acid substitution p.Arg74His. To our knowledge, this variant has not been reported in the literature. This variant is reported in 0.035% of alleles in individuals of East Asian descent in gnomAD. At this time, the clinical significance of this variant is uncertain due to the absence of conclusive functional and genetic evidence.

Labcorp Genetics (formerly Invitae), Labcorp
Classification: Uncertain significance. Last evaluated: 2025-04-19. Review status: criteria provided, single submitter. Criteria: Invitae Variant Classification Sherloc (09022015). Collection method: clinical testing. Allele origin: germline.
Comment: This sequence change replaces arginine, which is basic and polar, with histidine, which is basic and polar, at codon 74 of the PDE6B protein (p.Arg74His). This variant is present in population databases (rs370187319, gnomAD 0.04%). This missense change has been observed in individual(s) with clinical features of retinitis pigmentosa (internal data). ClinVar contains an entry for this variant (Variation ID: 1020571). Invitae Evidence Modeling of protein sequence and biophysical properties (such as structural, functional, and spatial information, amino acid conservation, physicochemical variation, residue mobility, and thermodynamic stability) indicates that this missense variant is not expected to disrupt PDE6B protein function with a negative predictive value of 95%. This variant disrupts the p.Arg74 amino acid residue in PDE6B. Other variant(s) that disrupt this residue have been observed in individuals with PDE6B-related conditions (PMID: 30029497), which suggests that this may be a clinically significant amino acid residue. In summary, the available evidence is currently insufficient to determine the role of this variant in disease. Therefore, it has been classified as a Variant of Uncertain Significance.

Blueprint Genetics
Classification: Uncertain significance. Last evaluated: 2024-10-11. Review status: criteria provided, single submitter. Criteria: ACMG Guidelines, 2015. Collection method: clinical testing. Allele origin: germline.

Literature cited by the submitters: PubMed 30029497 (cited by Labcorp Genetics (formerly Invitae), Labcorp).

NM_000283.4(PDE6B):c.221G>A (p.Arg74His)

Gene: PDE6B (phosphodiesterase 6B; plus strand). Cytogenetic location: 4p16.3.
Variant type: single nucleotide variant.
Coding change: c.221G>A on transcript NM_000283.4 (MANE Select); coding-DNA position 221, G replaced by A.
Protein change: p.Arg74His; replaces arginine 74 with histidine.
Molecular consequence: missense variant.
Genome position (GRCh38, 1-based): chr4:625,847, G>A. VCF-style: chr4-625847-G-A. GRCh37 (hg19) VCF-style: chr4-619636-G-A.
Other names: c.221G>A (NM_000283.3); c.221G>A, p.Arg74His (NM_001145291.2); short protein forms R74H.
Identifiers: ClinVar variation 1020571 (VCV001020571.8), dbSNP rs370187319, ClinGen allele CA2793877.